The following is an entry in ClinVar:

NM_014855.3(AP5Z1):c.768G>A (p.Glu256=)

Gene: AP5Z1 (adaptor related protein complex 5 subunit zeta 1; plus strand). Cytogenetic location: 7p22.1.
Variant type: single nucleotide variant.
Coding change: c.768G>A on transcript NM_014855.3 (MANE Select); coding-DNA position 768, G replaced by A.
Protein change: p.Glu256=; no amino-acid change (glutamic acid 256 retained).
Molecular consequence: synonymous variant. On other transcripts: non-coding transcript variant (1).
Genome position (GRCh38, 1-based): chr7:4,784,349, G>A. VCF-style: chr7-4784349-G-A. GRCh37 (hg19) VCF-style: chr7-4823980-G-A.
Other names: p.Glu256=; c.300G>A, p.Glu100= (NM_001364858.1).
Identifiers: ClinVar variation 695703 (VCV000695703.14), dbSNP rs377532483, ClinGen allele CA4137352.

ClinVar aggregate classification (germline): Benign/Likely benign. Review status: criteria provided, multiple submitters, no conflicts (2 of 4 stars). 3 submissions from 3 submitters: Benign (2); Likely benign (1). Last evaluated 2025-11-15.

Conditions:
Hereditary spastic paraplegia 48. Also called: SPASTIC PARAPLEGIA 48, AUTOSOMAL RECESSIVE; Spastic paraplegia 48. Identifiers: Orphanet 306511, MedGen C3150901, MONDO:0013342, OMIM 613647.

Allele frequency attached by ClinVar (database versions not stated): gnomAD exomes 0.00024 and 0.00064; ExAC 0.00106; ESP Exome Variant Server 0.00165; 1000 Genomes Project 0.00180; 1000 Genomes Project 30x 0.00187; gnomAD 0.00266 and 0.00287; TOPMed 0.00290.
gnomAD v4.1: 768 of 1,598,136 alleles (0.048%); highest among the groups gnomAD compares: African/African-American, 0.94%; 4 homozygotes.

Submissions (3):

Labcorp Genetics (formerly Invitae), Labcorp
Classification: Benign for Hereditary spastic paraplegia 48. Last evaluated: 2025-11-15. Review status: criteria provided, single submitter. Criteria: Invitae Variant Classification Sherloc (09022015). Collection method: clinical testing. Allele origin: germline.

Mayo Clinic Laboratories, Mayo Clinic
Classification: Benign. Last evaluated: 2024-10-31. Review status: criteria provided, single submitter. Criteria: ACMG Guidelines, 2015. Collection method: clinical testing. Allele origin: germline. Observed: 1 variant allele.
Comment: BA1, BP4, BP7

Blueprint Genetics
Classification: Likely benign. Last evaluated: 2024-10-07. Review status: criteria provided, single submitter. Criteria: ACMG Guidelines, 2015. Collection method: clinical testing. Allele origin: germline.